The following is an entry in ClinVar:

ClinVar aggregate classification (germline): Uncertain significance. Review status: criteria provided, multiple submitters, no conflicts (2 of 4 stars). 2 submissions from 2 submitters: Uncertain significance (2). Last evaluated 2025-10-06.

Conditions:
Inborn genetic diseases. Identifiers: MedGen C0950123, MeSH D030342.

Allele frequency attached by ClinVar (database versions not stated): gnomAD 0.00008 and 0.00009; TOPMed 0.00011; ESP Exome Variant Server 0.00015; gnomAD exomes 0.00015 and 0.00016; ExAC 0.00021.
gnomAD v4.1: 244 of 1,614,100 alleles (0.015%); highest among the groups gnomAD compares: East Asian, 0.02%; no homozygotes.

Submissions (3):

Labcorp Genetics (formerly Invitae), Labcorp
Classification: Uncertain significance. Last evaluated: 2025-10-06. Review status: criteria provided, single submitter. Criteria: Invitae Variant Classification Sherloc (09022015). Collection method: clinical testing. Allele origin: germline.
Comment: This sequence change replaces asparagine, which is neutral and polar, with serine, which is neutral and polar, at codon 580 of the NCSTN protein (p.Asn580Ser). This variant is present in population databases (rs140064076, gnomAD 0.02%). This variant has not been reported in the literature in individuals affected with NCSTN-related conditions. ClinVar contains an entry for this variant (Variation ID: 1409359). Invitae Evidence Modeling of protein sequence and biophysical properties (such as structural, functional, and spatial information, amino acid conservation, physicochemical variation, residue mobility, and thermodynamic stability) indicates that this missense variant is not expected to disrupt NCSTN protein function with a negative predictive value of 80%. In summary, the available evidence is currently insufficient to determine the role of this variant in disease. Therefore, it has been classified as a Variant of Uncertain Significance.

Ambry Genetics
Classification: Uncertain significance for Inborn genetic diseases. Last evaluated: 2023-09-12. Review status: criteria provided, single submitter. Criteria: Ambry Variant Classification Scheme 2023. Collection method: clinical testing. Allele origin: germline.

Dr. Peter K. Rogan Lab, Western University
No classification provided (evidence only). Condition: Gastric cancer. Review status: no classification provided. Collection method: in vitro. Allele origin: not applicable. Functional consequence: retained intron. Not counted in ClinVar's aggregate classification.

NM_015331.3(NCSTN):c.1739A>G (p.Asn580Ser)

Gene: NCSTN (nicastrin; plus strand). Cytogenetic location: 1q23.2.
Variant type: single nucleotide variant.
Coding change: c.1739A>G on transcript NM_015331.3 (MANE Select); coding-DNA position 1739, A replaced by G.
Protein change: p.Asn580Ser; replaces asparagine 580 with serine.
Molecular consequence: missense variant.
Genome position (GRCh38, 1-based): chr1:160,356,699, A>G. VCF-style: chr1-160356699-A-G. GRCh37 (hg19) VCF-style: chr1-160326489-A-G.
Other names: c.1679A>G, p.Asn560Ser (NM_001290184.2); c.1325A>G, p.Asn442Ser (NM_001290186.2); c.1739A>G, p.Asn580Ser (NM_001349729.2); c.1739A>G (NM_015331.2); short protein forms N560S, N442S, N580S.
Identifiers: ClinVar variation 1409359 (VCV001409359.8), dbSNP rs140064076, ClinGen allele CA1199093.